The following is an entry in ClinVar:

NM_001394998.1(TANC2):c.85C>A (p.Pro29Thr)

Gene: TANC2 (tetratricopeptide repeat, ankyrin repeat and coiled-coil containing 2; plus strand). Cytogenetic location: 17q23.2.
Variant type: single nucleotide variant.
Coding change: c.85C>A on transcript NM_001394998.1 (MANE Select); coding-DNA position 85, C replaced by A.
Protein change: p.Pro29Thr; replaces proline 29 with threonine.
Molecular consequence: missense variant.
Genome position (GRCh38, 1-based): chr17:63,073,960, C>A. VCF-style: chr17-63073960-C-A. GRCh37 (hg19) VCF-style: chr17-61151321-C-A.
Other names: c.85C>A, p.Pro29Thr (NM_001411076.1, NM_025185.4); short protein forms P29T.
Identifiers: ClinVar variation 3364248 (VCV003364248.1).

ClinVar aggregate classification (germline): Uncertain significance (1 of 4 stars; one submission).

Submission:

GeneDx
Classification: Uncertain significance. Last evaluated: 2023-11-13. Review status: criteria provided, single submitter. Criteria: GeneDx Variant Classification Process June 2021. Collection method: clinical testing. Allele origin: germline. Affected: yes.
Comment: Not observed at significant frequency in large population cohorts (gnomAD); In silico analysis supports that this missense variant does not alter protein structure/function; Has not been previously published as pathogenic or benign to our knowledge